The following is an entry in ClinVar:

ClinVar aggregate classification (germline): Benign (1 of 4 stars; one submission).

Conditions:
Aromatase deficiency. Also called: Increased aromatase activity; PSEUDOHERMAPHRODITISM, FEMALE, DUE TO PLACENTAL AROMATASE DEFICIENCY. Identifiers: Orphanet 91, MedGen C1960539, MONDO:0013301, OMIM 613546.

Allele frequency attached by ClinVar (database versions not stated): 1000 Genomes Project 30x 0.01390; 1000 Genomes Project 0.01478; TOPMed 0.01862; gnomAD 0.02353 and 0.02370; gnomAD exomes 0.06132.
gnomAD v4.1: 3,593 of 152,502 alleles (2.4%); highest among the groups gnomAD compares: Non-Finnish European, 3.2%; 57 homozygotes.

Submission:

Illumina Laboratory Services, Illumina
Classification: Benign for Aromatase deficiency. Last evaluated: 2018-01-13. Review status: criteria provided, single submitter. Criteria: ICSL Variant Classification Criteria 13 December 2019. Collection method: clinical testing. Allele origin: germline.
Comment: This variant was observed in the ICSL laboratory as part of a predisposition screen in an ostensibly healthy population. It had not been previously curated by ICSL or reported in the Human Gene Mutation Database (HGMD: prior to June 1st, 2018), and was therefore a candidate for classification through an automated scoring system. Utilizing variant allele frequency, disease prevalence and penetrance estimates, and inheritance mode, an automated score was calculated to assess if this variant is too frequent to cause the disease. Based on the score and internal cut-off values, a variant classified as benign is not then subjected to further curation. The score for this variant resulted in a classification of benign for this disease.

NM_000103.4(CYP19A1):c.*1296T>C

Genes: CYP19A1 (cytochrome P450 family 19 subfamily A member 1; minus strand), PIRC66 (piwi-interacting RNA cluster 66; plus strand), MIR4713HG (MIR4713 host gene; plus strand). Cytogenetic location: 15q21.2.
Variant type: single nucleotide variant.
Coding change: c.*1296T>C on transcript NM_000103.4 (MANE Select); 1296 bases downstream of the stop codon, T replaced by C.
Molecular consequence: 3 prime UTR variant.
Genome position (GRCh38, 1-based): chr15:51,209,512, A>G on the plus strand (T>C on the coding strand, the complement: CYP19A1 is on the minus strand). VCF-style: chr15-51209512-A-G. GRCh37 (hg19) VCF-style: chr15-51501709-A-G.
Other names: c.*1296T>C (NM_001347248.1, NM_001347249.2, NM_001347250.2 and 7 more transcripts).
Identifiers: ClinVar variation 316455 (VCV000316455.5), dbSNP rs28757212, ClinGen allele CA10642142.